The following is an entry in ClinVar:

ClinVar aggregate classification (germline): Uncertain significance (1 of 4 stars; one submission).

Conditions:
Epilepsy. Also called: Seizure disorder. Identifiers: MedGen C0014544, MeSH D004827, MONDO:0005027.

Allele frequency attached by ClinVar (database versions not stated): gnomAD exomes below 0.00001; TOPMed below 0.00001.
gnomAD v4.1: 2 of 1,583,662 alleles (0.00013%); highest among the groups gnomAD compares: Admixed American, 0.0036%; no homozygotes.

Submission:

Labcorp Genetics (formerly Invitae), Labcorp
Classification: Uncertain significance for Epilepsy. Last evaluated: 2022-02-22. Review status: criteria provided, single submitter. Criteria: Invitae Variant Classification Sherloc (09022015). Collection method: clinical testing. Allele origin: germline.
Comment: This sequence change replaces methionine, which is neutral and non-polar, with valine, which is neutral and non-polar, at codon 273 of the PIGQ protein (p.Met273Val). The frequency data for this variant in the population databases is considered unreliable, as metrics indicate poor data quality at this position in the gnomAD database. This variant has not been reported in the literature in individuals affected with PIGQ-related conditions. Algorithms developed to predict the effect of missense changes on protein structure and function (SIFT, PolyPhen-2, Align-GVGD) all suggest that this variant is likely to be tolerated. Algorithms developed to predict the effect of sequence changes on RNA splicing suggest that this variant may disrupt the consensus splice site. In summary, the available evidence is currently insufficient to determine the role of this variant in disease. Therefore, it has been classified as a Variant of Uncertain Significance.

NM_004204.5(PIGQ):c.817A>G (p.Met273Val)

Gene: PIGQ (phosphatidylinositol glycan anchor biosynthesis class Q; plus strand). Cytogenetic location: 16p13.3.
Variant type: single nucleotide variant.
Coding change: c.817A>G on transcript NM_004204.5 (MANE Select); coding-DNA position 817, A replaced by G.
Protein change: p.Met273Val; replaces methionine 273 with valine.
Molecular consequence: missense variant.
Genome position (GRCh38, 1-based): chr16:575,966, A>G. VCF-style: chr16-575966-A-G. GRCh37 (hg19) VCF-style: chr16-625966-A-G.
Other names: c.817A>G, p.Met273Val (NM_148920.4); short protein forms M273V.
Identifiers: ClinVar variation 2140299 (VCV002140299.3), dbSNP rs1317847226, ClinGen allele CA394051996.
Genomic context (GRCh38, chr16:575,966, plus strand): 5'-CGGCTGGAGCACCTCACGCTAATCTTCAGTACACGGAAGGCGGAGAACCCTGCCCAGCTG[A>G]TGAGGTGTGGGCCTGCCCTGGTCTCTGCAGGGCTGGGTGCGTGCCCTCTGGCCCCTTCTC-3'
Protein context (NP_004195.2, residues 263-283): TRKAENPAQL[Met273Val]RKANTVASVL